The following is an entry in ClinVar:

NM_004387.4(NKX2-5):c.677A>G (p.Asp226Gly)

Gene: NKX2-5 (NK2 homeobox 5; minus strand). Cytogenetic location: 5q35.1.
Variant type: single nucleotide variant.
Coding change: c.677A>G on transcript NM_004387.4 (MANE Select); coding-DNA position 677, A replaced by G.
Protein change: p.Asp226Gly; replaces aspartic acid 226 with glycine.
Molecular consequence: missense variant. On other transcripts: 3 prime UTR variant (2).
Genome position (GRCh38, 1-based): chr5:173,232,867, T>C on the plus strand (A>G on the coding strand, the complement: NKX2-5 is on the minus strand). VCF-style: chr5-173232867-T-C. GRCh37 (hg19) VCF-style: chr5-172659870-T-C.
Other names: c.*630A>G (NM_001166175.2); c.*476A>G (NM_001166176.2); short protein forms D226G.
Identifiers: ClinVar variation 1304845 (VCV001304845.2), dbSNP rs929243588, ClinGen allele CA132259055.

ClinVar aggregate classification (germline): Uncertain significance (1 of 4 stars; one submission).

Allele frequency attached by ClinVar (database versions not stated): gnomAD exomes below 0.00001; gnomAD 0.00001; TOPMed 0.00001.
gnomAD v4.1: 2 of 1,610,760 alleles (0.00012%); highest among the groups gnomAD compares: Non-Finnish European, 0.00017%; no homozygotes.

Submission:

GeneDx
Classification: Uncertain significance. Last evaluated: 2019-07-18. Review status: criteria provided, single submitter. Criteria: GeneDx Variant Classification Process June 2021. Collection method: clinical testing. Allele origin: germline. Affected: yes.
Comment: Not observed in large population cohorts (Lek et al., 2016); In silico analysis, which includes protein predictors and evolutionary conservation, supports a deleterious effect; Has not been previously published as pathogenic or benign to our knowledge